The following is an entry in ClinVar:

ClinVar aggregate classification (germline): Uncertain significance (1 of 4 stars; one submission).

Conditions:
Inborn genetic diseases. Identifiers: MedGen C0950123, MeSH D030342.

Submission:

Ambry Genetics
Classification: Uncertain significance for Inborn genetic diseases. Last evaluated: 2026-02-23. Review status: criteria provided, single submitter. Criteria: Ambry Variant Classification Scheme 2023. Collection method: clinical testing. Allele origin: germline.
Comment: The p.K1331N variant (also known as c.3993G>C), located in coding exon 1 of the SAMD9L gene, results from a G to C substitution at nucleotide position 3993. The lysine at codon 1331 is replaced by asparagine, an amino acid with similar properties. This amino acid position is conserved. In addition, this alteration is predicted to be tolerated by in silico analysis. Based on the available evidence, the clinical significance of this variant remains unclear.

NM_152703.5(SAMD9L):c.3993G>C (p.Lys1331Asn)

Gene: SAMD9L (sterile alpha motif domain containing 9 like; minus strand). Cytogenetic location: 7q21.2.
Variant type: single nucleotide variant.
Coding change: c.3993G>C on transcript NM_152703.5 (MANE Select); coding-DNA position 3993, G replaced by C.
Protein change: p.Lys1331Asn; replaces lysine 1331 with asparagine.
Molecular consequence: missense variant.
Genome position (GRCh38, 1-based): chr7:93,131,979, C>G on the plus strand (G>C on the coding strand, the complement: SAMD9L is on the minus strand). VCF-style: chr7-93131979-C-G. GRCh37 (hg19) VCF-style: chr7-92761292-C-G.
Other names: c.3993G>C, p.Lys1331Asn (NM_001303496.3, NM_001303497.3, NM_001303498.3 and 5 more transcripts); short protein forms K1331N.
Identifiers: ClinVar variation 4826171 (VCV004826171.1).